The following is an entry in ClinVar:

NM_004974.4(KCNA2):c.1297A>G (p.Thr433Ala)

Gene: KCNA2 (potassium voltage-gated channel subfamily A member 2; minus strand). Cytogenetic location: 1p13.3.
Variant type: single nucleotide variant.
Coding change: c.1297A>G on transcript NM_004974.4 (MANE Select); coding-DNA position 1297, A replaced by G.
Protein change: p.Thr433Ala; replaces threonine 433 with alanine.
Molecular consequence: missense variant. On other transcripts: intron variant (1).
Genome position (GRCh38, 1-based): chr1:110,603,486, T>C on the plus strand (A>G on the coding strand, the complement: KCNA2 is on the minus strand). VCF-style: chr1-110603486-T-C. GRCh37 (hg19) VCF-style: chr1-111146108-T-C.
Other names: c.894+403A>G (NM_001204269.2); short protein forms T433A.
Identifiers: ClinVar variation 1769237 (VCV001769237.15), dbSNP rs200107528, ClinGen allele CA1000638.

ClinVar aggregate classification (germline): Conflicting classifications of pathogenicity. Review status: criteria provided, conflicting classifications (1 of 4 stars). 3 submissions from 3 submitters: Uncertain significance (2); Likely benign (1). Last evaluated 2026-03-01.

Conditions:
Inborn genetic diseases. Identifiers: MedGen C0950123, MeSH D030342.
Developmental and epileptic encephalopathy, 32 (DEE32). Also called: Epileptic encephalopathy, early infantile, 32. Identifiers: Orphanet 442835, MedGen C4225350, MONDO:0014607, OMIM 616366.

Allele frequency attached by ClinVar (database versions not stated): ExAC 0.00002; gnomAD 0.00003; TOPMed 0.00005; ESP Exome Variant Server 0.00008; gnomAD exomes 0.00008.
gnomAD v4.1: 117 of 1,613,998 alleles (0.0072%); highest among the groups gnomAD compares: Non-Finnish European, 0.0097%; no homozygotes.

Submissions (3):

CeGaT Center for Human Genetics Tuebingen
Classification: Likely benign. Last evaluated: 2026-03-01. Review status: criteria provided, single submitter. Criteria: CeGaT Center For Human Genetics Tuebingen Variant Classification Criteria Version 2. Collection method: clinical testing. Allele origin: germline. Affected: yes. Observed: 2 variant alleles.
Comment: KCNA2: PP2, BS2

Labcorp Genetics (formerly Invitae), Labcorp
Classification: Uncertain significance for Developmental and epileptic encephalopathy, 32. Last evaluated: 2025-03-30. Review status: criteria provided, single submitter. Criteria: Invitae Variant Classification Sherloc (09022015). Collection method: clinical testing. Allele origin: germline.
Comment: This sequence change replaces threonine, which is neutral and polar, with alanine, which is neutral and non-polar, at codon 433 of the KCNA2 protein (p.Thr433Ala). This variant is present in population databases (rs200107528, gnomAD 0.007%). This variant has not been reported in the literature in individuals affected with KCNA2-related conditions. ClinVar contains an entry for this variant (Variation ID: 1769237). Invitae Evidence Modeling of protein sequence and biophysical properties (such as structural, functional, and spatial information, amino acid conservation, physicochemical variation, residue mobility, and thermodynamic stability) indicates that this missense variant is not expected to disrupt KCNA2 protein function with a negative predictive value of 95%. In summary, the available evidence is currently insufficient to determine the role of this variant in disease. Therefore, it has been classified as a Variant of Uncertain Significance.

Ambry Genetics
Classification: Uncertain significance for Inborn genetic diseases. Last evaluated: 2018-07-27. Review status: criteria provided, single submitter. Criteria: Ambry Variant Classification Scheme 2023. Collection method: clinical testing. Allele origin: germline.
Comment: The p.T433A variant (also known as c.1297A>G), located in coding exon 1 of the KCNA2 gene, results from an A to G substitution at nucleotide position 1297. The threonine at codon 433 is replaced by alanine, an amino acid with similar properties. This amino acid position is well conserved in available vertebrate species. In addition, the in silico prediction for this alteration is inconclusive. Since supporting evidence is limited at this time, the clinical significance of this alteration remains unclear.